The following is an entry in ClinVar:

ClinVar aggregate classification (germline): Benign (1 of 4 stars; one submission).

Conditions:
Charcot-Marie-Tooth disease type 1F. Also called: CHARCOT-MARIE-TOOTH NEUROPATHY, TYPE 1F; Charcot-Marie-Tooth disease, demyelinating, type 1f. Identifiers: Orphanet 101085, MedGen C1843164, MONDO:0011902, OMIM 607734.

Allele frequency attached by ClinVar (database versions not stated): TOPMed 0.00041; gnomAD 0.00043 and 0.00045; 1000 Genomes Project 0.00060; 1000 Genomes Project 30x 0.00078.
gnomAD v4.1: 67 of 152,336 alleles (0.044%); highest among the groups gnomAD compares: African/African-American, 0.16%; 1 homozygote.

Submission:

Illumina Laboratory Services, Illumina
Classification: Benign for Charcot-Marie-Tooth disease type 1F. Last evaluated: 2018-01-13. Review status: criteria provided, single submitter. Criteria: ICSL Variant Classification Criteria 13 December 2019. Collection method: clinical testing. Allele origin: germline.
Comment: This variant was observed in the ICSL laboratory as part of a predisposition screen in an ostensibly healthy population. It had not been previously curated by ICSL or reported in the Human Gene Mutation Database (HGMD: prior to June 1st, 2018), and was therefore a candidate for classification through an automated scoring system. Utilizing variant allele frequency, disease prevalence and penetrance estimates, and inheritance mode, an automated score was calculated to assess if this variant is too frequent to cause the disease. Based on the score and internal cut-off values, a variant classified as benign is not then subjected to further curation. The score for this variant resulted in a classification of benign for this disease.

NM_006158.5(NEFL):c.*1293A>G

Gene: NEFL (neurofilament light chain; minus strand). Cytogenetic location: 8p21.2.
Variant type: single nucleotide variant.
Coding change: c.*1293A>G on transcript NM_006158.5 (MANE Select); 1293 bases downstream of the stop codon, A replaced by G.
Molecular consequence: 3 prime UTR variant.
Genome position (GRCh38, 1-based): chr8:24,951,517, T>C on the plus strand (A>G on the coding strand, the complement: NEFL is on the minus strand). VCF-style: chr8-24951517-T-C. GRCh37 (hg19) VCF-style: chr8-24809030-T-C.
Identifiers: ClinVar variation 910484 (VCV000910484.4), dbSNP rs573350915, ClinGen allele CA174056832.